The following is an entry in ClinVar:

NM_004655.4(AXIN2):c.2024G>T (p.Arg675Leu)

Gene: AXIN2 (axin 2; minus strand). Cytogenetic location: 17q24.1.
Variant type: single nucleotide variant.
Coding change: c.2024G>T on transcript NM_004655.4 (MANE Select); coding-DNA position 2024, G replaced by T.
Protein change: p.Arg675Leu; replaces arginine 675 with leucine.
Molecular consequence: missense variant.
Genome position (GRCh38, 1-based): chr17:65,536,437, C>A on the plus strand (G>T on the coding strand, the complement: AXIN2 is on the minus strand). VCF-style: chr17-65536437-C-A. GRCh37 (hg19) VCF-style: chr17-63532555-C-A.
Other names: c.2024G>T (LRG_296t1); c.1829G>T, p.Arg610Leu (NM_001363813.1); short protein forms R675L, R610L.
Identifiers: ClinVar variation 533234 (VCV000533234.14), dbSNP rs730881401, ClinGen allele CA8718424.
Genomic context (GRCh38, chr17:65,536,437, plus strand): 5'-GCCAGCGTGTTGGGTGGGGTCAGGGGAGGCATCGCAGGGTCCTGGGTGAACAGGTGGGCA[C>A]GGGGGGTGGTGCGGGGGTGCCCGCTGTTGCCCCCCCACAGATGGTGCCGGCTGGCTCGTT-3'
Protein context (NP_004646.3, residues 665-685): GNSGHPRTTP[Arg675Leu]AHLFTQDPAM

ClinVar aggregate classification (germline): Uncertain significance. Review status: criteria provided, multiple submitters, no conflicts (2 of 4 stars). 3 submissions from 3 submitters: Uncertain significance (3). Last evaluated 2025-03-31.

Conditions:
Colorectal cancer. Also called: Colorectal cancer, somatic; Malignant Colorectal Neoplasm. Identifiers: MedGen C0346629, MONDO:0005575, OMIM 114500.
Hereditary cancer-predisposing syndrome. Also called: Hereditary neoplastic syndrome; Neoplastic Syndromes, Hereditary; Tumor predisposition; Hereditary Cancer Syndrome. Identifiers: Orphanet 140162, MedGen C0027672, MeSH D009386, MONDO:0015356.
Oligodontia-cancer predisposition syndrome. Also called: TOOTH AGENESIS-COLORECTAL CANCER SYNDROME. Identifiers: Orphanet 300576, MedGen C1837750, MONDO:0012075, OMIM 608615. Disease mechanism: loss of function.

Allele frequency attached by ClinVar (database versions not stated): ExAC 0.00001; gnomAD exomes 0.00001.

Submissions (3):

Labcorp Genetics (formerly Invitae), Labcorp
Classification: Uncertain significance for Oligodontia-cancer predisposition syndrome. Last evaluated: 2025-03-31. Review status: criteria provided, single submitter. Criteria: Invitae Variant Classification Sherloc (09022015). Collection method: clinical testing. Allele origin: germline.
Comment: This sequence change replaces arginine, which is basic and polar, with leucine, which is neutral and non-polar, at codon 675 of the AXIN2 protein (p.Arg675Leu). This variant is present in population databases (rs730881401, gnomAD 0.007%). This variant has not been reported in the literature in individuals affected with AXIN2-related conditions. ClinVar contains an entry for this variant (Variation ID: 533234). An algorithm developed to predict the effect of missense changes on protein structure and function (PolyPhen-2) suggests that this variant is likely to be disruptive. In summary, the available evidence is currently insufficient to determine the role of this variant in disease. Therefore, it has been classified as a Variant of Uncertain Significance.

Ambry Genetics
Classification: Uncertain significance for Hereditary cancer-predisposing syndrome. Last evaluated: 2024-07-29. Review status: criteria provided, single submitter. Criteria: Ambry Variant Classification Scheme 2023. Collection method: clinical testing. Allele origin: germline.
Comment: The p.R675L variant (also known as c.2024G>T), located in coding exon 7 of the AXIN2 gene, results from a G to T substitution at nucleotide position 2024. The arginine at codon 675 is replaced by leucine, an amino acid with dissimilar properties. This amino acid position is not well conserved in available vertebrate species. In addition, this alteration is predicted to be tolerated by in silico analysis. Since supporting evidence is limited at this time, the clinical significance of this alteration remains unclear.

Baylor Genetics
Classification: Uncertain significance for Colorectal cancer. Last evaluated: 2023-11-23. Review status: criteria provided, single submitter. Criteria: ACMG Guidelines, 2015. Collection method: clinical testing. Allele origin: unknown.